The following is an entry in ClinVar:

ClinVar aggregate classification (germline): Uncertain significance. Review status: criteria provided, multiple submitters, no conflicts (2 of 4 stars). 2 submissions from 2 submitters: Uncertain significance (2). Last evaluated 2024-10-08.

Conditions:
Neurodevelopmental disorder with nonspecific brain abnormalities and with or without seizures. Identifiers: MedGen C5231470, MONDO:0032877, OMIM 618709.

Submissions (2):

Labcorp Genetics (formerly Invitae), Labcorp
Classification: Uncertain significance. Last evaluated: 2024-10-08. Review status: criteria provided, single submitter. Criteria: Invitae Variant Classification Sherloc (09022015). Collection method: clinical testing. Allele origin: germline.
Comment: This sequence change replaces glycine, which is neutral and non-polar, with arginine, which is basic and polar, at codon 512 of the DLL1 protein (p.Gly512Arg). The frequency data for this variant in the population databases is considered unreliable, as metrics indicate poor data quality at this position in the gnomAD database. This missense change has been observed in individual(s) with congenital vertebral malformation (PMID: 31275352). It has also been observed to segregate with disease in related individuals. An algorithm developed to predict the effect of missense changes on protein structure and function (PolyPhen-2) suggests that this variant is likely to be disruptive. In summary, the available evidence is currently insufficient to determine the role of this variant in disease. Therefore, it has been classified as a Variant of Uncertain Significance.

Neuberg Centre For Genomic Medicine, NCGM
Classification: Uncertain significance for Neurodevelopmental disorder with nonspecific brain abnormalities and with or without seizures. Last evaluated: 2023-07-22. Review status: criteria provided, single submitter. Criteria: ACMG Guidelines, 2015. Collection method: clinical testing. Allele origin: germline. Inheritance: Autosomal dominant inheritance. Affected: yes.
Comment: The missense variant c.1534G>A p.Gly512Arg in the DLL1 gene has not been reported previously as a pathogenic variant nor as a benign variant, to our knowledge. This variant is reported with the allele frequency 0.0005% in the gnomAD Exomes. The amino acid Gly at position 512 is changed to a Arg changing protein sequence and it might alter its composition and physico-chemical properties. Computational evidence Polyphen, SIFT and MutationTaster predicts conflicting evidence on protein structure and function for this variant. The amino acid change p.Gly512Arg in DLL1 is predicted as conserved by GERP++ and PhyloP across 100 vertebrates. For these reasons, this variant has been classified as Uncertain Significance.

Literature cited by the submitters: PubMed 31275352 (cited by Labcorp Genetics (formerly Invitae), Labcorp).

NM_005618.4(DLL1):c.1534G>A (p.Gly512Arg)

Gene: DLL1 (delta like canonical Notch ligand 1; minus strand). Cytogenetic location: 6q27.
Variant type: single nucleotide variant.
Coding change: c.1534G>A on transcript NM_005618.4 (MANE Select); coding-DNA position 1534, G replaced by A.
Protein change: p.Gly512Arg; replaces glycine 512 with arginine.
Molecular consequence: missense variant.
Genome position (GRCh38, 1-based): chr6:170,283,745, C>T on the plus strand (G>A on the coding strand, the complement: DLL1 is on the minus strand). VCF-style: chr6-170283745-C-T. GRCh37 (hg19) VCF-style: chr6-170592833-C-T.
Other names: short protein forms G512R.
Identifiers: ClinVar variation 3391235 (VCV003391235.3).
Genomic context (GRCh38, chr6:170,283,745, plus strand): 5'-GGTCCACCACCGCTGGGCCCGGGGGCAGCTCGGGGAGCAGGAACTGGCAGTTGGGACCCC[C>T]GTAGCCTCGGGCACACTCGCACACATAGCGGTGGCCCCTCTCGTGGCAGGTGGCCCCATT-3'
Protein context (NP_005609.3, residues 502-522): RYVCECARGY[Gly512Arg]GPNCQFLLPE